The following is an entry in ClinVar:

ClinVar aggregate classification (germline): Uncertain significance (1 of 4 stars; one submission).

Conditions:
Nemaline myopathy 2 (NEM2). Also called: Nemaline myopathy 2, autosomal recessive. Identifiers: MedGen C1850569, MONDO:0009725, OMIM 256030.

Submission:

Labcorp Genetics (formerly Invitae), Labcorp
Classification: Uncertain significance for Nemaline myopathy 2. Last evaluated: 2024-01-08. Review status: criteria provided, single submitter. Criteria: Invitae Variant Classification Sherloc (09022015). Collection method: clinical testing. Allele origin: germline.
Comment: This sequence change replaces alanine, which is neutral and non-polar, with threonine, which is neutral and polar, at codon 8517 of the NEB protein (p.Ala8517Thr). This variant is not present in population databases (gnomAD no frequency). This variant has not been reported in the literature in individuals affected with NEB-related conditions. Experimental studies and prediction algorithms are not available or were not evaluated, and the functional significance of this variant is currently unknown. In summary, the available evidence is currently insufficient to determine the role of this variant in disease. Therefore, it has been classified as a Variant of Uncertain Significance.

NM_001164508.2(NEB):c.25444G>A (p.Ala8482Thr)

Genes: NEB (nebulin; minus strand), RIF1 (replication timing regulatory factor 1; plus strand). Cytogenetic location: 2q23.3.
Variant type: single nucleotide variant.
Coding change: c.25444G>A on transcript NM_001164508.2 (MANE Select); coding-DNA position 25444, G replaced by A.
Protein change: p.Ala8482Thr; replaces alanine 8482 with threonine.
Molecular consequence: missense variant.
Genome position (GRCh38, 1-based): chr2:151,485,894, C>T on the plus strand (G>A on the coding strand, the complement: NEB is on the minus strand). VCF-style: chr2-151485894-C-T. GRCh37 (hg19) VCF-style: chr2-152342408-C-T.
Other names: c.25549G>A, p.Ala8517Thr (NM_001271208.2); c.19876G>A, p.Ala6626Thr (NM_004543.5); c.25444G>A, p.Ala8482Thr (NM_001164507.2); short protein forms A8482T, A6626T, A8517T.
Identifiers: ClinVar variation 2836522 (VCV002836522.3), dbSNP rs2551517443, ClinGen allele CA348770058.